The following is an entry in ClinVar:

NM_001374385.1(ATP8B1):c.3015+4G>C

Genes: ATP8B1 (ATPase phospholipid transporting 8B1; minus strand), ATP8B1-AS1 (ATP8B1 antisense RNA 1; plus strand). Cytogenetic location: 18q21.31.
Variant type: single nucleotide variant.
Coding change: c.3015+4G>C on transcript NM_001374385.1 (MANE Select); 4 bases into the intron after coding-DNA position 3015, G replaced by C.
Molecular consequence: intron variant.
Genome position (GRCh38, 1-based): chr18:57,653,988, C>G on the plus strand (G>C on the coding strand, the complement: ATP8B1 is on the minus strand). VCF-style: chr18-57653988-C-G. GRCh37 (hg19) VCF-style: chr18-55321220-C-G.
Other names: c.3015+4G>C (NM_005603.6); c.2865+4G>C (NM_001374386.1).
Identifiers: ClinVar variation 3036341 (VCV003036341.3), dbSNP rs993669238, ClinGen allele CA300865909.

ClinVar aggregate classification (germline): Uncertain significance. Review status: criteria provided, single submitter (1 of 4 stars). 2 submissions from 2 submitters: Uncertain significance (1). 1 of the submissions does not count toward it. Last evaluated 2025-02-13.

Conditions:
ATP8B1-related disorder. Also called: ATP8B1-related condition; ATP8B1-related disorders.

Allele frequency attached by ClinVar (database versions not stated): TOPMed below 0.00001; gnomAD 0.00001; gnomAD exomes 0.00001.
gnomAD v4.1: 11 of 1,612,616 alleles (0.00068%); highest among the groups gnomAD compares: Middle Eastern, 0.05%; no homozygotes.

Submissions (2):

Women's Health and Genetics/Laboratory Corporation of America, LabCorp
Classification: Uncertain significance. Last evaluated: 2025-02-13. Review status: criteria provided, single submitter. Criteria: LabCorp Variant Classification Summary - May 2015. Collection method: clinical testing. Allele origin: germline.

PreventionGenetics, part of Exact Sciences
Classification: Likely benign for ATP8B1-related condition. Last evaluated: 2023-06-21. Review status: no assertion criteria provided. Collection method: clinical testing. Allele origin: germline. Not counted in ClinVar's aggregate classification.
Comment: This variant is classified as likely benign based on ACMG/AMP sequence variant interpretation guidelines (Richards et al. 2015 PMID: 25741868, with internal and published modifications).